The following is an entry in ClinVar:

NM_001378454.1(ALMS1):c.6205A>G (p.Lys2069Glu)

Gene: ALMS1 (ALMS1 centrosome and basal body associated protein; plus strand). Cytogenetic location: 2p13.1.
Variant type: single nucleotide variant.
Coding change: c.6205A>G on transcript NM_001378454.1 (MANE Select); coding-DNA position 6205, A replaced by G.
Protein change: p.Lys2069Glu; replaces lysine 2069 with glutamic acid.
Molecular consequence: missense variant.
Genome position (GRCh38, 1-based): chr2:73,452,732, A>G. VCF-style: chr2-73452732-A-G. GRCh37 (hg19) VCF-style: chr2-73679859-A-G.
Other names: c.6208A>G, p.Lys2070Glu (NM_015120.4); short protein forms K2069E, K2070E.
Identifiers: ClinVar variation 4989125 (VCV004989125.1).

ClinVar aggregate classification (germline): Uncertain significance (1 of 4 stars; one submission).

Conditions:
ALMS1-related disorder. Also called: ALMS1-related condition.

Submission:

PreventionGenetics, part of Exact Sciences
Classification: Uncertain significance for ALMS1-related condition. Last evaluated: 2025-10-13. Review status: criteria provided, single submitter. Criteria: ACMG Guidelines, 2015. Collection method: clinical testing. Allele origin: germline.
Comment: The ALMS1 c.6208A>G variant is predicted to result in the amino acid substitution p.Ile2070Val. To our knowledge, this variant has not been reported in the literature or in a large population database (gnomAD), indicating this variant is rare. At this time, the clinical significance of this variant is uncertain due to the absence of conclusive functional and genetic evidence.